The following is an entry in ClinVar:

ClinVar aggregate classification (germline): Uncertain significance (1 of 4 stars; one submission).

Submission:

Labcorp Genetics (formerly Invitae), Labcorp
Classification: Uncertain significance. Last evaluated: 2023-10-03. Review status: criteria provided, single submitter. Criteria: Invitae Variant Classification Sherloc (09022015). Collection method: clinical testing. Allele origin: germline.
Comment: This sequence change replaces histidine, which is basic and polar, with tyrosine, which is neutral and polar, at codon 517 of the DBR1 protein (p.His517Tyr). This variant is not present in population databases (gnomAD no frequency). This variant has not been reported in the literature in individuals affected with DBR1-related conditions. An algorithm developed to predict the effect of missense changes on protein structure and function (PolyPhen-2) suggests that this variant is likely to be tolerated. In summary, the available evidence is currently insufficient to determine the role of this variant in disease. Therefore, it has been classified as a Variant of Uncertain Significance.

NM_016216.4(DBR1):c.1549C>T (p.His517Tyr)

Gene: DBR1 (debranching RNA lariats 1; minus strand). Cytogenetic location: 3q22.3.
Variant type: single nucleotide variant.
Coding change: c.1549C>T on transcript NM_016216.4 (MANE Select); coding-DNA position 1549, C replaced by T.
Protein change: p.His517Tyr; replaces histidine 517 with tyrosine.
Molecular consequence: missense variant.
Genome position (GRCh38, 1-based): chr3:138,161,975, G>A on the plus strand (C>T on the coding strand, the complement: DBR1 is on the minus strand). VCF-style: chr3-138161975-G-A. GRCh37 (hg19) VCF-style: chr3-137880817-G-A.
Other names: short protein forms H517Y.
Identifiers: ClinVar variation 2805097 (VCV002805097.3), dbSNP rs2472959662, ClinGen allele CA354668812.